The following is an entry in ClinVar:

ClinVar aggregate classification (germline): Likely benign (0 of 4 stars; one submission).

Conditions:
PLEKHA7-related disorder. Also called: PLEKHA7-related condition.

Allele frequency attached by ClinVar (database versions not stated): ESP Exome Variant Server 0.00008; gnomAD exomes 0.00009; ExAC 0.00013; gnomAD 0.00027; TOPMed 0.00028; 1000 Genomes Project 30x 0.00031; 1000 Genomes Project 0.00040.
gnomAD v4.1: 181 of 1,601,218 alleles (0.011%); highest among the groups gnomAD compares: Admixed American, 0.13%; 2 homozygotes.

Submission:

PreventionGenetics, part of Exact Sciences
Classification: Likely benign for PLEKHA7-related condition. Last evaluated: 2019-06-03. Review status: no assertion criteria provided. Collection method: clinical testing. Allele origin: germline.
Comment: This variant is classified as likely benign based on ACMG/AMP sequence variant interpretation guidelines (Richards et al. 2015 PMID: 25741868, with internal and published modifications).

NM_001329630.2(PLEKHA7):c.2410-4T>C

Gene: PLEKHA7 (pleckstrin homology domain containing A7; minus strand). Cytogenetic location: 11p15.2.
Variant type: single nucleotide variant.
Coding change: c.2410-4T>C on transcript NM_001329630.2 (MANE Select); 4 bases into the intron before coding-DNA position 2410, T replaced by C.
Molecular consequence: intron variant.
Genome position (GRCh38, 1-based): chr11:16,795,022, A>G on the plus strand (T>C on the coding strand, the complement: PLEKHA7 is on the minus strand). VCF-style: chr11-16795022-A-G. GRCh37 (hg19) VCF-style: chr11-16816569-A-G.
Other names: c.2410-4T>C (NM_001410960.1, NM_175058.5, NM_001329631.2).
Identifiers: ClinVar variation 3044766 (VCV003044766.2), dbSNP rs190501066, ClinGen allele CA5899098.